The following is an entry in ClinVar:

ClinVar aggregate classification (germline): Uncertain significance (1 of 4 stars; one submission).

Allele frequency attached by ClinVar (database versions not stated): gnomAD exomes 0.00001 and 0.00002; ExAC 0.00002; gnomAD 0.00001.

Submission:

Labcorp Genetics (formerly Invitae), Labcorp
Classification: Uncertain significance. Last evaluated: 2022-10-03. Review status: criteria provided, single submitter. Criteria: Invitae Variant Classification Sherloc (09022015). Collection method: clinical testing. Allele origin: germline.
Comment: In summary, the available evidence is currently insufficient to determine the role of this variant in disease. Therefore, it has been classified as a Variant of Uncertain Significance. Advanced modeling of protein sequence and biophysical properties (such as structural, functional, and spatial information, amino acid conservation, physicochemical variation, residue mobility, and thermodynamic stability) performed at Invitae indicates that this missense variant is not expected to disrupt TBX6 protein function. ClinVar contains an entry for this variant (Variation ID: 1002721). This variant has not been reported in the literature in individuals affected with TBX6-related conditions. This variant is present in population databases (rs745709929, gnomAD 0.006%). This sequence change replaces aspartic acid, which is acidic and polar, with asparagine, which is neutral and polar, at codon 177 of the TBX6 protein (p.Asp177Asn).

NM_004608.4(TBX6):c.529G>A (p.Asp177Asn)

Gene: TBX6 (T-box transcription factor 6; minus strand). Cytogenetic location: 16p11.2.
Variant type: single nucleotide variant.
Coding change: c.529G>A on transcript NM_004608.4 (MANE Select); coding-DNA position 529, G replaced by A.
Protein change: p.Asp177Asn; replaces aspartic acid 177 with asparagine.
Molecular consequence: missense variant.
Genome position (GRCh38, 1-based): chr16:30,089,035, C>T on the plus strand (G>A on the coding strand, the complement: TBX6 is on the minus strand). VCF-style: chr16-30089035-C-T. GRCh37 (hg19) VCF-style: chr16-30100356-C-T.
Other names: short protein forms D177N.
Identifiers: ClinVar variation 1002721 (VCV001002721.8), dbSNP rs745709929, ClinGen allele CA8001899.
Genomic context (GRCh38, chr16:30,089,035, plus strand): 5'-GCTTGACACGATGGAAAGACACAGGCTGCCGCATCCAATGTGCACCAGTGGCAGGAGAGT[C>T]GGGGTGAATGTAGACACGGTCAGGCAGGCGGGGCTCTGCCTTGCCGCTGGGCTCCCAGCG-3'
Protein context (NP_004599.2, residues 167-187): RLPDRVYIHP[Asp177Asn]SPATGAHWMR